The following is an entry in ClinVar:

NM_002529.4(NTRK1):c.514G>A (p.Glu172Lys)

Gene: NTRK1 (neurotrophic receptor tyrosine kinase 1; plus strand). Cytogenetic location: 1q23.1.
Variant type: single nucleotide variant.
Coding change: c.514G>A on transcript NM_002529.4 (MANE Select); coding-DNA position 514, G replaced by A.
Protein change: p.Glu172Lys; replaces glutamic acid 172 with lysine.
Molecular consequence: missense variant.
Genome position (GRCh38, 1-based): chr1:156,868,189, G>A. VCF-style: chr1-156868189-G-A. GRCh37 (hg19) VCF-style: chr1-156837981-G-A.
Other names: c.424G>A, p.Glu142Lys (NM_001007792.1); c.514G>A, p.Glu172Lys (NM_001012331.2); short protein forms E142K, E172K.
Identifiers: ClinVar variation 73236 (VCV000073236.41), dbSNP rs267598081, ClinGen allele CA31108280.

ClinVar aggregate classification (germline): Uncertain significance. Review status: criteria provided, multiple submitters, no conflicts (2 of 4 stars). 4 submissions from 4 submitters: Uncertain significance (4). Last evaluated 2025-03-11.

Conditions:
Hereditary insensitivity to pain with anhidrosis (CIPA). Also called: FAMILIAL DYSAUTONOMIA, TYPE II; NEUROPATHY, CONGENITAL SENSORY, WITH ANHIDROSIS; HSAN Type IV; NTRK1 Congenital Insensitivity to Pain with Anhidrosis; hereditary sensory and autonomic neuropathy type 4; INSENSITIVITY TO PAIN, CONGENITAL, WITH ANHIDROSIS. Identifiers: Orphanet 642, MedGen C0020074, MONDO:0009746, OMIM 256800.

Allele frequency attached by ClinVar (database versions not stated): gnomAD exomes below 0.00001.
gnomAD v4.1: 2 of 1,613,530 alleles (0.00012%); highest among the groups gnomAD compares: African/African-American, 0.0013%; no homozygotes.

Submissions (4):

GeneDx
Classification: Uncertain significance. Last evaluated: 2025-03-11. Review status: criteria provided, single submitter. Criteria: GeneDx Variant Classification Process June 2021. Collection method: clinical testing. Allele origin: germline. Affected: yes.
Comment: Not observed at significant frequency in large population cohorts (gnomAD); In silico analysis indicates that this missense variant does not alter protein structure/function; Has not been previously published as pathogenic or benign to our knowledge

Genome-Nilou Lab
Classification: Uncertain significance for Hereditary insensitivity to pain with anhidrosis. Last evaluated: 2023-04-11. Review status: criteria provided, single submitter. Criteria: ACMG Guidelines, 2015. Collection method: clinical testing. Allele origin: germline. Affected: no.

CeGaT Center for Human Genetics Tuebingen
Classification: Uncertain significance. Last evaluated: 2021-02-01. Review status: criteria provided, single submitter. Criteria: CeGaT Center For Human Genetics Tuebingen Variant Classification Criteria Version 2. Collection method: clinical testing. Allele origin: germline. Affected: yes. Observed: 1 variant allele.

Mayo Clinic Laboratories, Mayo Clinic
Classification: Uncertain significance. Last evaluated: 2019-10-08. Review status: criteria provided, single submitter. Criteria: ACMG Guidelines, 2015. Collection method: clinical testing. Allele origin: germline. Observed: 1 variant allele.